The following is an entry in ClinVar:

NM_015331.3(NCSTN):c.1102-5C>A

Gene: NCSTN (nicastrin; plus strand). Cytogenetic location: 1q23.2.
Variant type: single nucleotide variant.
Coding change: c.1102-5C>A on transcript NM_015331.3 (MANE Select); 5 bases into the intron before coding-DNA position 1102, C replaced by A.
Molecular consequence: intron variant.
Genome position (GRCh38, 1-based): chr1:160,353,155, C>A. VCF-style: chr1-160353155-C-A. GRCh37 (hg19) VCF-style: chr1-160322945-C-A.
Other names: c.1042-5C>A (NM_001290184.2); c.1102-5C>A (NM_001349729.2); c.688-5C>A (NM_001290186.2).
Identifiers: ClinVar variation 3044883 (VCV003044883.2), dbSNP rs866536656, ClinGen allele CA31539286.

ClinVar aggregate classification (germline): Likely benign (0 of 4 stars; one submission).

Conditions:
NCSTN-related disorder. Also called: NCSTN-related condition.

Submission:

PreventionGenetics, part of Exact Sciences
Classification: Likely benign for NCSTN-related condition. Last evaluated: 2022-11-14. Review status: no assertion criteria provided. Collection method: clinical testing. Allele origin: germline.
Comment: This variant is classified as likely benign based on ACMG/AMP sequence variant interpretation guidelines (Richards et al. 2015 PMID: 25741868, with internal and published modifications).